The following is an entry in ClinVar:

NM_213595.4(ISCU):c.338C>A (p.Thr113Lys)

Gene: ISCU (iron-sulfur cluster assembly enzyme; plus strand). Cytogenetic location: 12q23.3.
Variant type: single nucleotide variant.
Coding change: c.338C>A on transcript NM_213595.4 (MANE Select); coding-DNA position 338, C replaced by A.
Protein change: p.Thr113Lys; replaces threonine 113 with lysine.
Molecular consequence: missense variant. On other transcripts: non-coding transcript variant (1).
Genome position (GRCh38, 1-based): chr12:108,565,430, C>A. VCF-style: chr12-108565430-C-A. GRCh37 (hg19) VCF-style: chr12-108959206-C-A.
Other names: c.338C>A, p.Thr113Lys (NM_001301140.1, NM_001301141.1, NM_001320042.1); c.263C>A, p.Thr88Lys (NM_014301.4); short protein forms T113K, T88K.
Identifiers: ClinVar variation 1368663 (VCV001368663.4), dbSNP rs749241265, ClinGen allele CA6768828.
Genomic context (GRCh38, chr12:108,565,430, plus strand): 5'-TTGGCTGTGGTTCCGCAATTGCCTCCAGCTCATTAGCCACTGAATGGGTGAAAGGAAAGA[C>A]GGTAAGGTGGCTCACAAATCTAATGGGTCAAAAACAAGTAACCATGACTTTTTTTTAATA-3'
Protein context (NP_998760.1, residues 103-123): SLATEWVKGK[Thr113Lys]VEEALTIKNT

ClinVar aggregate classification (germline): Uncertain significance. Review status: criteria provided, multiple submitters, no conflicts (2 of 4 stars). 2 submissions from 2 submitters: Uncertain significance (2). Last evaluated 2022-07-06.

Allele frequency attached by ClinVar (database versions not stated): ExAC 0.00001; gnomAD 0.00001.
gnomAD v4.1: 11 of 1,595,830 alleles (0.00069%); highest among the groups gnomAD compares: Non-Finnish European, 0.00095%; no homozygotes.

Submissions (2):

Labcorp Genetics (formerly Invitae), Labcorp
Classification: Uncertain significance. Last evaluated: 2022-07-06. Review status: criteria provided, single submitter. Criteria: Invitae Variant Classification Sherloc (09022015). Collection method: clinical testing. Allele origin: germline.
Comment: This sequence change replaces threonine, which is neutral and polar, with lysine, which is basic and polar, at codon 113 of the ISCU protein (p.Thr113Lys). This variant is present in population databases (rs749241265, gnomAD 0.0009%). This variant has not been reported in the literature in individuals affected with ISCU-related conditions. ClinVar contains an entry for this variant (Variation ID: 1368663). Algorithms developed to predict the effect of missense changes on protein structure and function are either unavailable or do not agree on the potential impact of this missense change (SIFT: "Deleterious"; PolyPhen-2: "Benign"; Align-GVGD: "Class C15"). In summary, the available evidence is currently insufficient to determine the role of this variant in disease. Therefore, it has been classified as a Variant of Uncertain Significance.

Blueprint Genetics
Classification: Uncertain significance. Last evaluated: 2018-12-31. Review status: criteria provided, single submitter. Criteria: ACMG Guidelines, 2015. Collection method: clinical testing. Allele origin: germline.